The following is an entry in ClinVar:

ClinVar aggregate classification (germline): Uncertain significance. Review status: criteria provided, multiple submitters, no conflicts (2 of 4 stars). 4 submissions from 4 submitters: Uncertain significance (4). Last evaluated 2025-01-23.

Conditions:
Inborn genetic diseases. Identifiers: MedGen C0950123, MeSH D030342.
Pierson syndrome. Also called: MICROCORIA-CONGENITAL NEPHROTIC SYNDROME. Identifiers: Orphanet 2670, MedGen C1836876, MONDO:0012184, OMIM 609049.
LAMB2-related infantile-onset nephrotic syndrome. Also called: Nephrotic Syndrome, type 5; NEPHROTIC SYNDROME, TYPE 5, WITHOUT OCULAR ABNORMALITIES; NEPHROTIC SYNDROME, TYPE 5, WITH OCULAR ABNORMALITIES. Identifiers: Orphanet 306507, MedGen C3280113, MONDO:0013621, OMIM 614199.

Allele frequency attached by ClinVar (database versions not stated): ExAC 0.00001; TOPMed 0.00001.
gnomAD v4.1: 9 of 1,614,052 alleles (0.00056%); highest among the groups gnomAD compares: East Asian, 0.0045%; 1 homozygote.

Submissions (4):

Ambry Genetics
Classification: Uncertain significance for Inborn genetic diseases. Last evaluated: 2025-01-23. Review status: criteria provided, single submitter. Criteria: Ambry Variant Classification Scheme 2023. Collection method: clinical testing. Allele origin: germline.

Fulgent Genetics
Classification: Uncertain significance for Pierson syndrome; LAMB2-related infantile-onset nephrotic syndrome. Last evaluated: 2024-06-03. Review status: criteria provided, single submitter. Criteria: ACMG Guidelines, 2015. Collection method: clinical testing. Allele origin: germline.

Revvity Omics, Revvity
Classification: Uncertain significance. Last evaluated: 2024-05-22. Review status: criteria provided, single submitter. Criteria: ACMG Guidelines, 2015. Collection method: clinical testing. Allele origin: germline.

Labcorp Genetics (formerly Invitae), Labcorp
Classification: Uncertain significance for LAMB2-related infantile-onset nephrotic syndrome; Pierson syndrome. Last evaluated: 2022-08-19. Review status: criteria provided, single submitter. Criteria: Invitae Variant Classification Sherloc (09022015). Collection method: clinical testing. Allele origin: germline.
Comment: In summary, the available evidence is currently insufficient to determine the role of this variant in disease. Therefore, it has been classified as a Variant of Uncertain Significance. Algorithms developed to predict the effect of missense changes on protein structure and function output the following: SIFT: "Deleterious"; PolyPhen-2: "Possibly Damaging"; Align-GVGD: "Class C55". The serine amino acid residue is found in multiple mammalian species, which suggests that this missense change does not adversely affect protein function. This variant has not been reported in the literature in individuals affected with LAMB2-related conditions. This variant is present in population databases (rs770301237, gnomAD 0.003%). This sequence change replaces glycine, which is neutral and non-polar, with serine, which is neutral and polar, at codon 420 of the LAMB2 protein (p.Gly420Ser).

NM_002292.4(LAMB2):c.1258G>A (p.Gly420Ser)

Gene: LAMB2 (laminin subunit beta 2; minus strand). Cytogenetic location: 3p21.31.
Variant type: single nucleotide variant.
Coding change: c.1258G>A on transcript NM_002292.4 (MANE Select); coding-DNA position 1258, G replaced by A.
Protein change: p.Gly420Ser; replaces glycine 420 with serine.
Molecular consequence: missense variant.
Genome position (GRCh38, 1-based): chr3:49,129,986, C>T on the plus strand (G>A on the coding strand, the complement: LAMB2 is on the minus strand). VCF-style: chr3-49129986-C-T. GRCh37 (hg19) VCF-style: chr3-49167419-C-T.
Other names: c.1258G>A (NM_002292.3); short protein forms G420S.
Identifiers: ClinVar variation 1983283 (VCV001983283.7), dbSNP rs770301237, ClinGen allele CA2394642.